The following is an entry in ClinVar:

ClinVar aggregate classification (germline): Uncertain significance (1 of 4 stars; one submission).

Conditions:
Epilepsy, familial focal, with variable foci 3 (FFEVF3). Identifiers: MedGen C4310708, MONDO:0014925, OMIM 617118.

Submission:

Labcorp Genetics (formerly Invitae), Labcorp
Classification: Uncertain significance for Epilepsy, familial focal, with variable foci 3. Last evaluated: 2022-03-11. Review status: criteria provided, single submitter. Criteria: Invitae Variant Classification Sherloc (09022015). Collection method: clinical testing. Allele origin: germline.
Comment: In summary, the available evidence is currently insufficient to determine the role of this variant in disease. Therefore, it has been classified as a Variant of Uncertain Significance. This variant has not been reported in the literature in individuals affected with NPRL3-related conditions. This variant results in a copy number gain of the genomic region encompassing exon(s) 1-5 of the NPRL3 gene. This region includes the initiator codon of the gene. This copy number gain extends beyond the assayed region for this gene and therefore may encompass additional genes. As the precise location of this event is unknown, it may be in tandem or it may be located elsewhere in the genome.

NC_000016.9:g.(?_167280)_(193701_?)dup

Gene: NPRL3 (NPR3 like, GATOR1 complex subunit; minus strand). Cytogenetic location: 16p13.3.
Variant type: Duplication.
Identifiers: ClinVar variation 2423604 (VCV002423604.4).